The following is an entry in ClinVar:

NM_006346.4(PIBF1):c.1642G>A (p.Glu548Lys)

Gene: PIBF1 (progesterone immunomodulatory binding factor 1; plus strand). Cytogenetic location: 13q22.1.
Variant type: single nucleotide variant.
Coding change: c.1642G>A on transcript NM_006346.4 (MANE Select); coding-DNA position 1642, G replaced by A.
Protein change: p.Glu548Lys; replaces glutamic acid 548 with lysine.
Molecular consequence: missense variant. On other transcripts: non-coding transcript variant (2).
Genome position (GRCh38, 1-based): chr13:72,917,078, G>A. VCF-style: chr13-72917078-G-A. GRCh37 (hg19) VCF-style: chr13-73491216-G-A.
Other names: c.1729G>A, p.Glu577Lys (NM_001349655.2); short protein forms E548K, E577K.
Identifiers: ClinVar variation 3350966 (VCV003350966.3).

ClinVar aggregate classification (germline): Conflicting classifications of pathogenicity. Review status: criteria provided, conflicting classifications (1 of 4 stars). 3 submissions from 3 submitters: Uncertain significance (1); Likely benign (1). 1 of the submissions does not count toward it. Last evaluated 2025-12-25.

Conditions:
PIBF1-related disorder. Also called: PIBF1-related condition.
Joubert syndrome 33. Identifiers: MedGen C4540389, MONDO:0033311, OMIM 617767.

gnomAD v4.1: 212 of 1,572,686 alleles (0.013%); highest among the groups gnomAD compares: South Asian, 0.24%; 1 homozygote.

Submissions (3):

Labcorp Genetics (formerly Invitae), Labcorp
Classification: Likely benign. Last evaluated: 2025-12-25. Review status: criteria provided, single submitter. Criteria: Invitae Variant Classification Sherloc (09022015). Collection method: clinical testing. Allele origin: germline.

Neuberg Centre For Genomic Medicine, NCGM
Classification: Uncertain significance for Joubert syndrome 33. Last evaluated: 2024-02-01. Review status: criteria provided, single submitter. Criteria: ACMG Guidelines, 2015. Collection method: clinical testing. Allele origin: germline. Inheritance: Autosomal recessive inheritance.
Comment: The above variant has not been reported previously as a pathogenic variant nor as a benign variant, to our knowledge. For these reasons, this variant has been classified as Variant of Uncertain Significance (VUS).

PreventionGenetics, part of Exact Sciences
Classification: Likely benign for PIBF1-related condition. Last evaluated: 2024-06-25. Review status: no assertion criteria provided. Collection method: clinical testing. Allele origin: germline. Not counted in ClinVar's aggregate classification.
Comment: This variant is classified as likely benign based on ACMG/AMP sequence variant interpretation guidelines (Richards et al. 2015 PMID: 25741868, with internal and published modifications).